The following is an entry in ClinVar:

NM_006031.6(PCNT):c.4737C>T (p.Ala1579=)

Gene: PCNT (pericentrin; plus strand). Cytogenetic location: 21q22.3.
Variant type: single nucleotide variant.
Coding change: c.4737C>T on transcript NM_006031.6 (MANE Select); coding-DNA position 4737, C replaced by T.
Protein change: p.Ala1579=; no amino-acid change (alanine 1579 retained).
Molecular consequence: synonymous variant.
Genome position (GRCh38, 1-based): chr21:46,399,742, C>T. VCF-style: chr21-46399742-C-T. GRCh37 (hg19) VCF-style: chr21-47819656-C-T.
Other names: c.4383C>T, p.Ala1461= (NM_001315529.2).
Identifiers: ClinVar variation 3349978 (VCV003349978.1).

ClinVar aggregate classification (germline): Likely benign (0 of 4 stars; one submission).

Conditions:
PCNT-related disorder. Also called: PCNT-related condition.

gnomAD v4.1: 3 of 1,614,010 alleles (0.00019%); highest among the groups gnomAD compares: African/African-American, 0.004%; no homozygotes.

Submission:

PreventionGenetics, part of Exact Sciences
Classification: Likely benign for PCNT-related condition. Last evaluated: 2023-10-10. Review status: no assertion criteria provided. Collection method: clinical testing. Allele origin: germline.
Comment: This variant is classified as likely benign based on ACMG/AMP sequence variant interpretation guidelines (Richards et al. 2015 PMID: 25741868, with internal and published modifications).